The following is an entry in ClinVar:

NM_001374828.1(ARID1B):c.1861C>T (p.Gln621Ter)

Gene: ARID1B (AT-rich interaction domain 1B; plus strand). Cytogenetic location: 6q25.3.
Variant type: single nucleotide variant.
Coding change: c.1861C>T on transcript NM_001374828.1 (MANE Select); coding-DNA position 1861, C replaced by T.
Protein change: p.Gln621Ter; replaces glutamine 621 with a stop codon.
Molecular consequence: nonsense.
Genome position (GRCh38, 1-based): chr6:156,829,296, C>T. VCF-style: chr6-156829296-C-T. GRCh37 (hg19) VCF-style: chr6-157150430-C-T.
Other names: c.1861C>T, p.Gln621Ter (NM_001371656.1, NM_001374820.1, NM_017519.3); c.1612C>T, p.Gln538Ter (NM_020732.3); short protein forms Q538*, Q621*.
Identifiers: ClinVar variation 374179 (VCV000374179.8), dbSNP rs1057518951, ClinGen allele CA16043413.

ClinVar aggregate classification (germline): Pathogenic. Review status: criteria provided, multiple submitters, no conflicts (2 of 4 stars). 4 submissions from 3 submitters: Pathogenic (4). Last evaluated 2024-01-25.

Conditions:
Inborn genetic diseases. Identifiers: MedGen C0950123, MeSH D030342.
Coffin-Siris syndrome 1 (CSS1). Also called: ARID1B-Related Coffin-Siris Syndrome; Mental retardation, autosomal dominant 12. Identifiers: Orphanet 1465, MedGen C3281201, MONDO:0007617, OMIM 135900. Disease mechanism: gain of function.
Hypertrichosis. Also called: excessive hair growth. Identifiers: Orphanet 79365, MedGen C0020555, MONDO:0019280, HP:0000998.
Global developmental delay (DD). Also called: Cognitive delay. Identifiers: MedGen C0557874, HP:0001263. Disease mechanism: loss of function.
Neonatal hypotonia. Identifiers: MedGen C2267233, HP:0001319.
Nail dysplasia. Identifiers: MedGen C1834405, HP:0002164.
Corpus callosum, agenesis of. Also called: Agenesis of the corpus callosum; Isolated corpus callosum agenesis; Corpus callosum agenesis; Mental retardation hypoplastic corpus callosum preauricular tag; Da silva syndrome. Identifiers: Orphanet 200, MedGen C0175754, MONDO:0009022, OMIM 217990, HP:0001274.

Submissions (4):

GeneDx
Classification: Pathogenic. Last evaluated: 2024-01-25. Review status: criteria provided, single submitter. Criteria: GeneDx Variant Classification Process June 2021. Collection method: clinical testing. Allele origin: germline. Affected: yes.
Comment: Nonsense variant predicted to result in protein truncation or nonsense mediated decay in a gene for which loss of function is a known mechanism of disease; Not observed at significant frequency in large population cohorts (gnomAD); This variant is associated with the following publications: (PMID: 30349098, 34706719)

Ambry Genetics
Classification: Pathogenic for Inborn genetic diseases. Last evaluated: 2022-06-14. Review status: criteria provided, single submitter. Criteria: Ambry Variant Classification Scheme 2023. Collection method: clinical testing. Allele origin: germline.
Comment: The c.1612C>T (p.Q538*) alteration, located in exon 2 (coding exon 2) of the ARID1B gene, consists of a C to T substitution at nucleotide position 1612. This changes the amino acid from a glutamine (Q) to a stop codon at amino acid position 538. This alteration is expected to result in loss of function by premature protein truncation or nonsense-mediated mRNA decay. This variant was not reported in population-based cohorts in the Genome Aggregation Database (gnomAD). This alteration has been reported de novo in association with Coffin-Siris syndrome (van der Sluijs, 2019; Lee, 2021). Based on the available evidence, this alteration is classified as pathogenic.

Centre for Mendelian Genomics, University Medical Centre Ljubljana
Classification: Pathogenic for Coffin-Siris syndrome 1. Last evaluated: 2016-01-01. Review status: criteria provided, single submitter. Criteria: ACMG Guidelines, 2015. Collection method: clinical testing. Allele origin: unknown. Affected: yes.
Comment: This variant was classified as: Pathogenic.

Centre for Mendelian Genomics, University Medical Centre Ljubljana
Classification: Pathogenic for Corpus callosum, agenesis of; Global developmental delay; Hypertrichosis; Nail dysplasia; Neonatal hypotonia. Last evaluated: 2014-01-25. Review status: criteria provided, single submitter. Criteria: ACMG Guidelines, 2015. Collection method: clinical testing. Allele origin: unknown. Affected: yes.

Literature cited by the submitters: PubMed 30349098 (cited by Ambry Genetics); PubMed 34706719 (cited by Ambry Genetics).